The following is an entry in ClinVar:

ClinVar aggregate classification (germline): Uncertain significance (1 of 4 stars; one submission).

Allele frequency attached by ClinVar (database versions not stated): gnomAD exomes 0.00001; TOPMed 0.00001; ExAC 0.00002.
gnomAD v4.1: 17 of 1,613,676 alleles (0.0011%); highest among the groups gnomAD compares: South Asian, 0.0044%; no homozygotes.

Submission:

Labcorp Genetics (formerly Invitae), Labcorp
Classification: Uncertain significance. Last evaluated: 2025-03-17. Review status: criteria provided, single submitter. Criteria: Invitae Variant Classification Sherloc (09022015). Collection method: clinical testing. Allele origin: germline.
Comment: This sequence change replaces arginine, which is basic and polar, with glutamine, which is neutral and polar, at codon 551 of the PLXNA2 protein (p.Arg551Gln). This variant is present in population databases (rs768278879, gnomAD 0.006%). This variant has not been reported in the literature in individuals affected with PLXNA2-related conditions. ClinVar contains an entry for this variant (Variation ID: 2185647). Invitae Evidence Modeling of protein sequence and biophysical properties (such as structural, functional, and spatial information, amino acid conservation, physicochemical variation, residue mobility, and thermodynamic stability) indicates that this missense variant is not expected to disrupt PLXNA2 protein function with a negative predictive value of 80%. In summary, the available evidence is currently insufficient to determine the role of this variant in disease. Therefore, it has been classified as a Variant of Uncertain Significance.

NM_025179.4(PLXNA2):c.1652G>A (p.Arg551Gln)

Gene: PLXNA2 (plexin A2; minus strand). Cytogenetic location: 1q32.2.
Variant type: single nucleotide variant.
Coding change: c.1652G>A on transcript NM_025179.4 (MANE Select); coding-DNA position 1652, G replaced by A.
Protein change: p.Arg551Gln; replaces arginine 551 with glutamine.
Molecular consequence: missense variant.
Genome position (GRCh38, 1-based): chr1:208,098,925, C>T on the plus strand (G>A on the coding strand, the complement: PLXNA2 is on the minus strand). VCF-style: chr1-208098925-C-T. GRCh37 (hg19) VCF-style: chr1-208272270-C-T.
Other names: short protein forms R551Q.
Identifiers: ClinVar variation 2185647 (VCV002185647.4), dbSNP rs768278879, ClinGen allele CA1373759.